The following is an entry in ClinVar:

ClinVar aggregate classification (germline): Uncertain significance. Review status: criteria provided, multiple submitters, no conflicts (2 of 4 stars). 3 submissions from 3 submitters: Uncertain significance (3). Last evaluated 2025-08-18.

Conditions:
Inborn genetic diseases. Identifiers: MedGen C0950123, MeSH D030342.
MBD5-related disorder. Also called: MBD5-related condition.
Intellectual developmental disorder, autosomal dominant 1. Also called: Intellectual disability, autosomal dominant 1; MBD5 Haploinsufficiency. Identifiers: Orphanet 228402, MedGen C1969562, MONDO:0007974, OMIM 156200.

Allele frequency attached by ClinVar (database versions not stated): gnomAD exomes below 0.00001; TOPMed below 0.00001.
gnomAD v4.1: 3 of 1,614,178 alleles (0.00019%); highest among the groups gnomAD compares: Non-Finnish European, 0.000085%; no homozygotes.

Submissions (3):

PreventionGenetics, part of Exact Sciences
Classification: Uncertain significance for MBD5-related condition. Last evaluated: 2025-08-18. Review status: criteria provided, single submitter. Criteria: ACMG Guidelines, 2015. Collection method: clinical testing. Allele origin: germline.
Comment: The MBD5 c.2951A>G variant is predicted to result in the amino acid substitution p.Gln984Arg. To our knowledge, this variant has not been reported in the literature or in a large population database (gnomAD), indicating this variant is rare. At this time, the clinical significance of this variant is uncertain due to the absence of conclusive functional and genetic evidence.

Ambry Genetics
Classification: Uncertain significance for Inborn genetic diseases. Last evaluated: 2025-06-19. Review status: criteria provided, single submitter. Criteria: Ambry Variant Classification Scheme 2023. Collection method: clinical testing. Allele origin: germline.

Labcorp Genetics (formerly Invitae), Labcorp
Classification: Uncertain significance for Intellectual developmental disorder, autosomal dominant 1. Last evaluated: 2022-05-28. Review status: criteria provided, single submitter. Criteria: Invitae Variant Classification Sherloc (09022015). Collection method: clinical testing. Allele origin: germline.
Comment: This variant is not present in population databases (gnomAD no frequency). This variant has not been reported in the literature in individuals affected with MBD5-related conditions. ClinVar contains an entry for this variant (Variation ID: 1508825). Algorithms developed to predict the effect of missense changes on protein structure and function are either unavailable or do not agree on the potential impact of this missense change (SIFT: "Tolerated"; PolyPhen-2: "Not Available"; Align-GVGD: "Class C0"). In summary, the available evidence is currently insufficient to determine the role of this variant in disease. Therefore, it has been classified as a Variant of Uncertain Significance. This sequence change replaces glutamine, which is neutral and polar, with arginine, which is basic and polar, at codon 984 of the MBD5 protein (p.Gln984Arg).

NM_001378120.1(MBD5):c.3650A>G (p.Gln1217Arg)

Gene: MBD5 (methyl-CpG binding domain protein 5; plus strand). Cytogenetic location: 2q23.1.
Variant type: single nucleotide variant.
Coding change: c.3650A>G on transcript NM_001378120.1 (MANE Select); coding-DNA position 3650, A replaced by G.
Protein change: p.Gln1217Arg; replaces glutamine 1217 with arginine.
Molecular consequence: missense variant.
Genome position (GRCh38, 1-based): chr2:148,485,847, A>G. VCF-style: chr2-148485847-A-G. GRCh37 (hg19) VCF-style: chr2-149243416-A-G.
Other names: c.2951A>G (NM_018328.4); c.2951A>G, p.Gln984Arg (NM_018328.5); short protein forms Q984R, Q1217R.
Identifiers: ClinVar variation 1508825 (VCV001508825.8), dbSNP rs1681321643, ClinGen allele CA348724573.